The following is an entry in ClinVar:

NM_004483.5(GCSH):c.259C>A (p.Leu87Ile)

Gene: GCSH (glycine cleavage system protein H; minus strand). Cytogenetic location: 16q23.2.
Variant type: single nucleotide variant.
Coding change: c.259C>A on transcript NM_004483.5 (MANE Select); coding-DNA position 259, C replaced by A.
Protein change: p.Leu87Ile; replaces leucine 87 with isoleucine.
Molecular consequence: missense variant.
Genome position (GRCh38, 1-based): chr16:81,087,634, G>T on the plus strand (C>A on the coding strand, the complement: GCSH is on the minus strand). VCF-style: chr16-81087634-G-T. GRCh37 (hg19) VCF-style: chr16-81121239-G-T.
Other names: short protein forms L87I.
Identifiers: ClinVar variation 1052276 (VCV001052276.9), dbSNP rs2151769189, ClinGen allele CA396887289.
Genomic context (GRCh38, chr16:81,087,634, plus strand): 5'-TCATTCTAAGATCCTAAGAACACTCACCTTGTTTGTTCAATTTTGTCCCAACTTCAGGGA[G>T]ACTACAATAAACAACATCTCCCAACGCTTCCTAAATAAAACAAGACAAAACCAAAAATCT-3'
Protein context (NP_004474.2, residues 77-97): EALGDVVYCS[Leu87Ile]PEVGTKLNKQ

ClinVar aggregate classification (germline): Uncertain significance (1 of 4 stars; one submission).

Conditions:
Glycine encephalopathy. Also called: Nonketotic hyperglycinemia; Non-ketotic hyperglycinemia. Identifiers: Orphanet 407, MedGen C0751748, MONDO:0011612, HP:0008288.

Submission:

Labcorp Genetics (formerly Invitae), Labcorp
Classification: Uncertain significance for Glycine encephalopathy. Last evaluated: 2022-11-29. Review status: criteria provided, single submitter. Criteria: Invitae Variant Classification Sherloc (09022015). Collection method: clinical testing. Allele origin: germline.
Comment: Algorithms developed to predict the effect of missense changes on protein structure and function are either unavailable or do not agree on the potential impact of this missense change (SIFT: "Deleterious"; PolyPhen-2: "Probably Damaging"; Align-GVGD: "Class C0"). In summary, the available evidence is currently insufficient to determine the role of this variant in disease. Therefore, it has been classified as a Variant of Uncertain Significance. ClinVar contains an entry for this variant (Variation ID: 1052276). This variant has not been reported in the literature in individuals affected with GCSH-related conditions. This variant is not present in population databases (gnomAD no frequency). This sequence change replaces leucine, which is neutral and non-polar, with isoleucine, which is neutral and non-polar, at codon 87 of the GCSH protein (p.Leu87Ile).